The following is an entry in ClinVar:

NM_005257.6(GATA6):c.926A>G (p.Gln309Arg)

Gene: GATA6 (GATA binding protein 6; plus strand). Cytogenetic location: 18q11.2.
Variant type: single nucleotide variant.
Coding change: c.926A>G on transcript NM_005257.6 (MANE Select); coding-DNA position 926, A replaced by G.
Protein change: p.Gln309Arg; replaces glutamine 309 with arginine.
Molecular consequence: missense variant.
Genome position (GRCh38, 1-based): chr18:22,172,070, A>G. VCF-style: chr18-22172070-A-G. GRCh37 (hg19) VCF-style: chr18-19752031-A-G.
Other names: short protein forms Q309R.
Identifiers: ClinVar variation 2985819 (VCV002985819.3), dbSNP rs2033059489, ClinGen allele CA401801421.

ClinVar aggregate classification (germline): Uncertain significance (1 of 4 stars; one submission).

Conditions:
Atrioventricular septal defect 5 (AVSD5). Identifiers: MedGen C3280939, MONDO:0013769, OMIM 614474.

Allele frequency attached by ClinVar (database versions not stated): TOPMed 0.00001.
gnomAD v4.1: 1 of 1,438,622 alleles (0.00007%); highest among the groups gnomAD compares: South Asian, 0.0015%; no homozygotes.

Submission:

Labcorp Genetics (formerly Invitae), Labcorp
Classification: Uncertain significance for Atrioventricular septal defect 5. Last evaluated: 2023-06-20. Review status: criteria provided, single submitter. Criteria: Invitae Variant Classification Sherloc (09022015). Collection method: clinical testing. Allele origin: germline.
Comment: In summary, the available evidence is currently insufficient to determine the role of this variant in disease. Therefore, it has been classified as a Variant of Uncertain Significance. Advanced modeling of protein sequence and biophysical properties (such as structural, functional, and spatial information, amino acid conservation, physicochemical variation, residue mobility, and thermodynamic stability) performed at Invitae indicates that this missense variant is not expected to disrupt GATA6 protein function. This variant has not been reported in the literature in individuals affected with GATA6-related conditions. This variant is not present in population databases (gnomAD no frequency). This sequence change replaces glutamine, which is neutral and polar, with arginine, which is basic and polar, at codon 309 of the GATA6 protein (p.Gln309Arg).